The following is an entry in ClinVar:

ClinVar aggregate classification (germline): Pathogenic/Likely pathogenic. Review status: criteria provided, multiple submitters, no conflicts (2 of 4 stars). 24 submissions from 20 submitters: Pathogenic (16); Likely pathogenic (4). 4 of the submissions do not count toward it. Last evaluated 2026-01-09.

Conditions:
Meckel syndrome, type 3 (MKS3). Also called: MECKEL-GRUBER SYNDROME, TYPE 3. Identifiers: Orphanet 564, MedGen C1846357, MONDO:0011821, OMIM 607361.
COACH syndrome 1. Identifiers: Orphanet 1454, MedGen C5435651, MONDO:0800103, OMIM 216360, MONDO:0008996.
Bardet-Biedl syndrome 14 (BBS14). Identifiers: Orphanet 110, MedGen C2673874, MONDO:0014442, OMIM 615991.
Joubert syndrome 6 (JBTS6). Identifiers: Orphanet 475, MedGen C1853153, MONDO:0012539, OMIM 610688.
Nephronophthisis 11 (NPHP11). Identifiers: Orphanet 84081, MedGen C3150796, MONDO:0013302, OMIM 613550.
RHYNS syndrome. Also called: RETINITIS PIGMENTOSA SYNDROME; RETINITIS PIGMENTOSA, HYPOPITUITARISM, NEPHRONOPHTHISIS, AND MILD SKELETAL DYSPLASIA. Identifiers: Orphanet 140976, MedGen C1865794, MONDO:0011202, OMIM 602152.
Global developmental delay (DD). Also called: Cognitive delay. Identifiers: MedGen C0557874, HP:0001263. Disease mechanism: loss of function.
Kidney damage. Identifiers: MedGen C1408258.
Floppy infant. Also called: Infantile muscular hypotonia. Identifiers: MedGen C1860834, HP:0008947.
Absent speech. Also called: Absent speech development. Identifiers: MedGen C1854882, HP:0001344.
Barrel-shaped chest. Identifiers: MedGen C0264172, HP:0001552.
Pancreatitis. Identifiers: MedGen C0030305, MONDO:0004982, HP:0001733.
Cerebellar malformation. Identifiers: Orphanet 182061, MedGen C4025708.
Congenital ocular coloboma. Also called: Coloboma; COLOBOMA OF IRIS, CHOROID, AND RETINA; COLOBOMA, UVEORETINAL; Coloboma of eye. Identifiers: Orphanet 194, MedGen C0009363, MONDO:0001476, HP:0000589.
Cerebellar vermis hypoplasia. Identifiers: MedGen C1840379, HP:0001320.
Nystagmus. Identifiers: MedGen C0028738, MONDO:0004843, HP:0000639.
Visual impairment. Also called: vision problems; Impaired vision. Identifiers: MedGen C3665347, HP:0000505.
Tremor. Also called: tremors. Identifiers: MedGen C0040822, HP:0001337.
Severe intellectual disability. Identifiers: MedGen C0036857, HP:0010864.
Peritonitis. Identifiers: MedGen C0031154, MONDO:1010128, HP:0002586.
TMEM67-related disorder. Also called: TMEM67-related disorders; TMEM67-related condition. Identifiers: MedGen CN239423.
Inborn genetic diseases. Identifiers: MedGen C0950123, MeSH D030342.
Meckel-Gruber syndrome. Also called: GRUBER SYNDROME; Dysencephalia splachnocystica; DYSENCEPHALIA SPLANCHNOCYSTICA. Identifiers: Orphanet 564, MedGen C0265215, MONDO:0018921.
Joubert syndrome. Also called: JOUBERT-BOLTSHAUSER SYNDROME; Familial aplasia of the vermis. Identifiers: Orphanet 475, MedGen C5979921, MONDO:0018772.
Joubert syndrome and related disorders. Identifiers: Orphanet 140874, MedGen C5679612, MONDO:0015369.
Nephronophthisis. Also called: Juvenile Nephronophthisis. Identifiers: Orphanet 655, MedGen C0687120, MONDO:0019005, HP:0000090.
Cholestatic liver disease. Identifiers: MedGen C0860204, HP:0002611.
Oligohydramnios. Also called: Oligohydramnios (disease). Identifiers: MedGen C0079924, MONDO:0005881, HP:0001562.
Renal cyst. Also called: Renal cysts; cystic kidneys; Cystic kidney disease. Identifiers: MedGen C3887499, MONDO:0002473, HP:0000107.

Allele frequency attached by ClinVar (database versions not stated): TOPMed 0.00006; gnomAD 0.00009.
gnomAD v4.1: 146 of 1,613,072 alleles (0.0091%); highest among the groups gnomAD compares: Non-Finnish European, 0.012%; no homozygotes.

Submissions 1 to 12 of 24:

Labcorp Genetics (formerly Invitae), Labcorp
Classification: Pathogenic for Joubert syndrome; Meckel-Gruber syndrome. Last evaluated: 2026-01-09. Review status: criteria provided, single submitter. Criteria: Invitae Variant Classification Sherloc (09022015). Collection method: clinical testing. Allele origin: germline.
Comment: This sequence change replaces cysteine, which is neutral and slightly polar, with arginine, which is basic and polar, at codon 615 of the TMEM67 protein (p.Cys615Arg). This variant is present in population databases (rs201893408, gnomAD 0.03%). This missense change has been observed in individual(s) with TMEM67-related ciliopathies (PMID: 19508969, 19540516, 19574260, 20607301, 21068128, 23559409). In at least one individual the data is consistent with being in trans (on the opposite chromosome) from a pathogenic variant. It has also been observed to segregate with disease in related individuals. ClinVar contains an entry for this variant (Variation ID: 1383). Invitae Evidence Modeling of protein sequence and biophysical properties (such as structural, functional, and spatial information, amino acid conservation, physicochemical variation, residue mobility, and thermodynamic stability) indicates that this missense variant is expected to disrupt TMEM67 protein function with a positive predictive value of 95%. Experimental studies have shown that this missense change affects TMEM67 function (PMID: 19540516, 26035863). For these reasons, this variant has been classified as Pathogenic.

Women's Health and Genetics/Laboratory Corporation of America, LabCorp
Classification: Pathogenic for Joubert syndrome and related disorders. Last evaluated: 2025-07-14. Review status: criteria provided, single submitter. Criteria: LabCorp Variant Classification Summary - May 2015. Collection method: clinical testing. Allele origin: germline.
Comment: Variant summary: TMEM67 c.1843T>C (p.Cys615Arg) results in a non-conservative amino acid change in the encoded protein sequence. Algorithms developed to predict the effect of missense changes on protein structure and function all suggest that this variant is likely to be disruptive. The variant allele was found at a frequency of 0.00015 in 251362 control chromosomes. This frequency is not significantly higher than estimated for a pathogenic variant in TMEM67 causing Joubert Syndrome And Related Disorders (0.00015 vs 0.0018), allowing no conclusion about variant significance. c.1843T>C has been observed in multiple individuals affected with Nephronophthisis (example: Kong_2022). These data indicate that the variant is very likely to be associated with disease. The following publication has been ascertained in the context of this evaluation (PMID: 36090483). ClinVar contains an entry for this variant (Variation ID: 1383). Based on the evidence outlined above, the variant was classified as pathogenic.

Revvity Omics, Revvity
Classification: Pathogenic. Last evaluated: 2025-07-10. Review status: criteria provided, single submitter. Criteria: ACMG Guidelines, 2015. Collection method: clinical testing. Allele origin: germline.

Laboratory of Genetics, Children's Clinical University Hospital Latvia
Classification: Likely pathogenic. Last evaluated: 2025-02-16. Review status: criteria provided, single submitter. Criteria: ACMG Guidelines, 2015. Collection method: clinical testing. Allele origin: germline. Affected: yes.

Blueprint Genetics
Classification: Pathogenic for TMEM67-related disorders. Last evaluated: 2024-11-13. Review status: criteria provided, single submitter. Criteria: ACMG Guidelines, 2015. Collection method: clinical testing. Allele origin: germline. Affected: yes. Observed: 5 variant alleles.

Department of Human Genetics, Hannover Medical School
Classification: Pathogenic for Cholestatic liver disease. Last evaluated: 2024-08-05. Review status: criteria provided, single submitter. Criteria: ACMG Guidelines, 2015. Collection method: clinical testing. Allele origin: germline. Affected: yes.

Fulgent Genetics
Classification: Pathogenic for COACH syndrome 1; RHYNS syndrome; Meckel syndrome, type 3; Joubert syndrome 6; Nephronophthisis 11; Bardet-Biedl syndrome 14. Last evaluated: 2024-05-10. Review status: criteria provided, single submitter. Criteria: ACMG Guidelines, 2015. Collection method: clinical testing. Allele origin: germline.

GeneDx
Classification: Pathogenic. Last evaluated: 2023-09-06. Review status: criteria provided, single submitter. Criteria: GeneDx Variant Classification Process June 2021. Collection method: clinical testing. Allele origin: germline. Affected: yes.
Comment: Published functional studies demonstrate C615R results in improper localization of the TMEM67 protein within cells (Gunay-Aygun et al., 2009; Abdelhamed et al., 2015); In silico analysis supports that this missense variant has a deleterious effect on protein structure/function; This variant is associated with the following publications: (PMID: 19778711, 19508969, 19540516, 26035863, 21866095, 19466712, 21068128, 23559409, 26673778, 28125082, 10508989, 25729630, 29956005, 29146704, 29974258, 32574212, 27491411, 26092869, 20607301, 28497568, 19574260, 20232449, 25920555, 32939031, 34356094, 34958143, 35627109, 36090483)

Department of Pathology and Laboratory Medicine, Sinai Health System
Classification: Pathogenic for RHYNS syndrome; COACH syndrome 1; Nephronophthisis 11; Joubert syndrome 6. Last evaluated: 2023-02-20. Review status: criteria provided, single submitter. Criteria: ACMG Guidelines, 2015. Collection method: research. Allele origin: germline.

Clinical Genetics Laboratory, Skane University Hospital Lund
Classification: Pathogenic. Last evaluated: 2022-07-13. Review status: criteria provided, single submitter. Criteria: ACMG Guidelines, 2015. Collection method: clinical testing. Allele origin: germline. Affected: yes.

Institute of Medical Genetics and Applied Genomics, University Hospital Tübingen
Classification: Pathogenic. Last evaluated: 2020-10-23. Review status: criteria provided, single submitter. Criteria: ACMG Guidelines, 2015. Collection method: clinical testing. Allele origin: germline. Inheritance: Unknown mechanism. Affected: yes.

Centre for Mendelian Genomics, University Medical Centre Ljubljana
Classification: Likely pathogenic for RHYNS syndrome. Last evaluated: 2019-10-03. Review status: criteria provided, single submitter. Criteria: ACMG Guidelines, 2015. Collection method: clinical testing. Allele origin: unknown. Affected: yes.
Comment: This variant was classified as: Likely pathogenic. The following ACMG criteria were applied in classifying this variant: PS1,PM2,PP3.

NM_153704.6(TMEM67):c.1843T>C (p.Cys615Arg)

Gene: TMEM67 (transmembrane protein 67; plus strand). Cytogenetic location: 8q22.1.
Variant type: single nucleotide variant.
Coding change: c.1843T>C on transcript NM_153704.6 (MANE Select); coding-DNA position 1843, T replaced by C.
Protein change: p.Cys615Arg; replaces cysteine 615 with arginine.
Molecular consequence: missense variant. On other transcripts: non-coding transcript variant (1).
Genome position (GRCh38, 1-based): chr8:93,795,970, T>C. VCF-style: chr8-93795970-T-C. GRCh37 (hg19) VCF-style: chr8-94808198-T-C.
Other names: c.1600T>C, p.Cys534Arg (NM_001142301.1); short protein forms C615R, C534R.
Identifiers: ClinVar variation 1383 (VCV000001383.44), dbSNP rs201893408, ClinGen allele CA114977.
Genomic context (GRCh38, chr8:93,795,970, plus strand): 5'-TCTGTGTCTGTTTTGCTGCCAATGCCAATTCAGGAAGAACGTTTTGTCACTTATGTTGGA[T>C]GTGCCTTTGCTCTGAAGGTAAGTTTTAAAGGACAGGTTACCAAATTTAAAAGGCCTGCTA-3'
Protein context (NP_714915.3, residues 605-625): QEERFVTYVG[Cys615Arg]AFALKALQFL